The following is an entry in ClinVar:

ClinVar aggregate classification (germline): Uncertain significance (1 of 4 stars; one submission).

Submission:

GeneDx
Classification: Uncertain significance. Last evaluated: 2023-11-09. Review status: criteria provided, single submitter. Criteria: GeneDx Variant Classification Process June 2021. Collection method: clinical testing. Allele origin: germline. Affected: yes.
Comment: Not observed at significant frequency in large population cohorts (gnomAD); In silico analysis supports that this missense variant has a deleterious effect on protein structure/function; Has not been previously published as pathogenic or benign to our knowledge

NM_001282116.2(RFX3):c.1024C>A (p.Pro342Thr)

Gene: RFX3 (regulatory factor X3; minus strand). Cytogenetic location: 9p24.2.
Variant type: single nucleotide variant.
Coding change: c.1024C>A on transcript NM_001282116.2 (MANE Select); coding-DNA position 1024, C replaced by A.
Protein change: p.Pro342Thr; replaces proline 342 with threonine.
Molecular consequence: missense variant.
Genome position (GRCh38, 1-based): chr9:3,275,562, G>T on the plus strand (C>A on the coding strand, the complement: RFX3 is on the minus strand). VCF-style: chr9-3275562-G-T. GRCh37 (hg19) VCF-style: chr9-3275562-G-T.
Other names: c.1024C>A, p.Pro342Thr (NM_001282117.2, NM_001377999.1, NM_002919.4 and 1 more transcripts); short protein forms P342T.
Identifiers: ClinVar variation 3364155 (VCV003364155.1).